The following is an entry in ClinVar:

ClinVar aggregate classification (germline): Uncertain significance. Review status: criteria provided, multiple submitters, no conflicts (2 of 4 stars). 2 submissions from 2 submitters: Uncertain significance (2). Last evaluated 2023-12-14.

Conditions:
Hereditary cancer-predisposing syndrome. Also called: Hereditary neoplastic syndrome; Neoplastic Syndromes, Hereditary; Tumor predisposition; Hereditary Cancer Syndrome. Identifiers: Orphanet 140162, MedGen C0027672, MeSH D009386, MONDO:0015356.

Allele frequency attached by ClinVar (database versions not stated): gnomAD exomes below 0.00001; ExAC 0.00001.
gnomAD v4.1: 2 of 1,607,188 alleles (0.00012%); highest among the groups gnomAD compares: Non-Finnish European, 0.00017%; no homozygotes.

Submissions (2):

Ambry Genetics
Classification: Uncertain significance for Hereditary cancer-predisposing syndrome. Last evaluated: 2023-12-14. Review status: criteria provided, single submitter. Criteria: Ambry Variant Classification Scheme 2023. Collection method: clinical testing. Allele origin: germline.
Comment: The p.A671V variant (also known as c.2012C>T), located in coding exon 14 of the CTNNA1 gene, results from a C to T substitution at nucleotide position 2012. The alanine at codon 671 is replaced by valine, an amino acid with similar properties. This amino acid position is conserved. In addition, the in silico prediction for this alteration is inconclusive. Since supporting evidence is limited at this time, the clinical significance of this alteration remains unclear.

Labcorp Genetics (formerly Invitae), Labcorp
Classification: Uncertain significance. Last evaluated: 2023-10-16. Review status: criteria provided, single submitter. Criteria: Invitae Variant Classification Sherloc (09022015). Collection method: clinical testing. Allele origin: germline.
Comment: This sequence change replaces alanine, which is neutral and non-polar, with valine, which is neutral and non-polar, at codon 671 of the CTNNA1 protein (p.Ala671Val). The frequency data for this variant in the population databases is considered unreliable, as metrics indicate poor data quality at this position in the gnomAD database. This variant has not been reported in the literature in individuals affected with CTNNA1-related conditions. ClinVar contains an entry for this variant (Variation ID: 1511728). An algorithm developed to predict the effect of missense changes on protein structure and function (PolyPhen-2) suggests that this variant is likely to be disruptive. In summary, the available evidence is currently insufficient to determine the role of this variant in disease. Therefore, it has been classified as a Variant of Uncertain Significance.

NM_001903.5(CTNNA1):c.2012C>T (p.Ala671Val)

Gene: CTNNA1 (catenin alpha 1; plus strand). Cytogenetic location: 5q31.2.
Variant type: single nucleotide variant.
Coding change: c.2012C>T on transcript NM_001903.5 (MANE Select); coding-DNA position 2012, C replaced by T.
Protein change: p.Ala671Val; replaces alanine 671 with valine.
Molecular consequence: missense variant.
Genome position (GRCh38, 1-based): chr5:138,930,474, C>T. VCF-style: chr5-138930474-C-T. GRCh37 (hg19) VCF-style: chr5-138266163-C-T.
Other names: c.2012C>T, p.Ala671Val (NM_001290307.3, NM_001323982.2, NM_001323983.1 and 2 more transcripts); c.1703C>T, p.Ala568Val (NM_001290309.3); c.1643C>T, p.Ala548Val (NM_001290310.3); c.902C>T, p.Ala301Val (NM_001290312.1, NM_001323987.1, NM_001323988.1 and 17 more transcripts); c.1919C>T, p.Ala640Val (NM_001323986.2); c.563C>T, p.Ala188Val (NM_001324006.1, NM_001324007.1, NM_001324008.1 and 2 more transcripts); c.809C>T, p.Ala270Val (NM_001324011.1); c.659C>T, p.Ala220Val (NM_001324012.1, NM_001324013.1); and 1 more; short protein forms A220V, A301V, A548V, A640V, A188V, A568V, A270V, A671V.
Identifiers: ClinVar variation 1511728 (VCV001511728.9), dbSNP rs773758649, ClinGen allele CA3432106.